The following is an entry in ClinVar:

NM_005629.4(SLC6A8):c.1681G>A (p.Gly561Ser)

Gene: SLC6A8 (solute carrier family 6 member 8; plus strand). Cytogenetic location: Xq28.
Variant type: single nucleotide variant.
Coding change: c.1681G>A on transcript NM_005629.4 (MANE Select); coding-DNA position 1681, G replaced by A.
Protein change: p.Gly561Ser; replaces glycine 561 with serine.
Molecular consequence: missense variant.
Genome position (GRCh38, 1-based): chrX:153,694,803, G>A. VCF-style: chrX-153694803-G-A. GRCh37 (hg19) VCF-style: chrX-152960258-G-A.
Other names: c.1651G>A, p.Gly551Ser (NM_001142805.2); c.1336G>A, p.Gly446Ser (NM_001142806.1); short protein forms G446S, G551S, G561S.
Identifiers: ClinVar variation 4747439 (VCV004747439.1).

ClinVar aggregate classification (germline): Likely pathogenic (1 of 4 stars; one submission).

Conditions:
Creatine transporter deficiency (CCDS1). Also called: CEREBRAL CREATINE DEFICIENCY SYNDROME 1; Creatine Transporter (CRTR) Deficiency; Mental retardation , X-linked with seizures, short stature and midface hypoplasia; Mental retardation , X-linked, with creatine transport deficiency; X-linked creatine transporter deficiency; X-linked creatine deficiency syndrome. Identifiers: Orphanet 52503, MedGen C1845862, MONDO:0010305, OMIM 300352.

Submission:

Labcorp Genetics (formerly Invitae), Labcorp
Classification: Likely pathogenic for Creatine transporter deficiency. Last evaluated: 2025-04-09. Review status: criteria provided, single submitter. Criteria: Invitae Variant Classification Sherloc (09022015). Collection method: clinical testing. Allele origin: germline.
Comment: This sequence change replaces glycine, which is neutral and non-polar, with serine, which is neutral and polar, at codon 561 of the SLC6A8 protein (p.Gly561Ser). This variant is not present in population databases (gnomAD no frequency). This variant has not been reported in the literature in individuals affected with SLC6A8-related conditions. Invitae Evidence Modeling of protein sequence and biophysical properties (such as structural, functional, and spatial information, amino acid conservation, physicochemical variation, residue mobility, and thermodynamic stability) indicates that this missense variant is expected to disrupt SLC6A8 protein function with a positive predictive value of 95%. This variant disrupts the p.Gly561 amino acid residue in SLC6A8. Other variant(s) that disrupt this residue have been determined to be pathogenic (PMID: 24045174, 28049948). This suggests that this residue is clinically significant, and that variants that disrupt this residue are likely to be disease-causing. In summary, the currently available evidence indicates that the variant is pathogenic, but additional data are needed to prove that conclusively. Therefore, this variant has been classified as Likely Pathogenic.

Literature cited by the submitters: PubMed 24045174; PubMed 28049948.